The following is an entry in ClinVar:

ClinVar aggregate classification (germline): Uncertain significance (1 of 4 stars; one submission).

Conditions:
Spastic paraplegia. Identifiers: MedGen C0037772, HP:0001258.

gnomAD v4.1: 19 of 1,614,112 alleles (0.0012%); highest among the groups gnomAD compares: African/African-American, 0.004%; no homozygotes.

Submission:

Labcorp Genetics (formerly Invitae), Labcorp
Classification: Uncertain significance for Spastic paraplegia. Last evaluated: 2024-02-15. Review status: criteria provided, single submitter. Criteria: Invitae Variant Classification Sherloc (09022015). Collection method: clinical testing. Allele origin: germline.
Comment: This sequence change replaces serine, which is neutral and polar, with leucine, which is neutral and non-polar, at codon 170 of the ARSI protein (p.Ser170Leu). This variant is present in population databases (rs777249696, gnomAD 0.006%). This variant has not been reported in the literature in individuals affected with ARSI-related conditions. Advanced modeling of protein sequence and biophysical properties (such as structural, functional, and spatial information, amino acid conservation, physicochemical variation, residue mobility, and thermodynamic stability) performed at Invitae indicates that this missense variant is not expected to disrupt ARSI protein function with a negative predictive value of 80%. In summary, the available evidence is currently insufficient to determine the role of this variant in disease. Therefore, it has been classified as a Variant of Uncertain Significance.

NM_001012301.4(ARSI):c.509C>T (p.Ser170Leu)

Gene: ARSI (arylsulfatase family member I; minus strand). Cytogenetic location: 5q32.
Variant type: single nucleotide variant.
Coding change: c.509C>T on transcript NM_001012301.4 (MANE Select); coding-DNA position 509, C replaced by T.
Protein change: p.Ser170Leu; replaces serine 170 with leucine.
Molecular consequence: missense variant.
Genome position (GRCh38, 1-based): chr5:150,298,415, G>A on the plus strand (C>T on the coding strand, the complement: ARSI is on the minus strand). VCF-style: chr5-150298415-G-A. GRCh37 (hg19) VCF-style: chr5-149677978-G-A.
Other names: short protein forms S170L.
Identifiers: ClinVar variation 3705661 (VCV003705661.2).
Genomic context (GRCh38, chr5:150,298,415, plus strand): 5'-CCGCACACGCCTGGGCCATCACAGTTGTCATAGGTGTAATAGTCCACATTGCCCGTGAGC[G>A]AGCCCAGGAAGGTGTCGAAGCCCCGACGGGTGGGCAGACACTCCTTCCGGTAGAAGCCCA-3'
Protein context (NP_001012301.1, residues 160-180): TRRGFDTFLG[Ser170Leu]LTGNVDYYTY